The following is an entry in ClinVar:

NM_000384.3(APOB):c.11018A>G (p.Lys3673Arg)

Gene: APOB (apolipoprotein B; minus strand). Cytogenetic location: 2p24.1.
Variant type: single nucleotide variant.
Coding change: c.11018A>G on transcript NM_000384.3 (MANE Select); coding-DNA position 11018, A replaced by G.
Protein change: p.Lys3673Arg; replaces lysine 3673 with arginine.
Molecular consequence: missense variant.
Genome position (GRCh38, 1-based): chr2:21,005,850, T>C on the plus strand (A>G on the coding strand, the complement: APOB is on the minus strand). VCF-style: chr2-21005850-T-C. GRCh37 (hg19) VCF-style: chr2-21228722-T-C.
Other names: short protein forms K3673R.
Identifiers: ClinVar variation 630251 (VCV000630251.55), dbSNP rs374411400, ClinGen allele CA045384.

ClinVar aggregate classification (germline): Conflicting classifications of pathogenicity. Review status: criteria provided, conflicting classifications (1 of 4 stars). 4 submissions from 4 submitters: Uncertain significance (2); Likely benign (2). Last evaluated 2025-11-09.

Conditions:
Cardiovascular phenotype. Identifiers: MedGen CN230736.
Hypercholesterolemia, autosomal dominant, type B (FHCL2). Also called: APOB-Related Familial Hypercholesterolemia, Autosomal Dominant; Hyperlipoproteinemia Type IIb; Familial Hypercholesterolemia Type B; APOLIPOPROTEIN B-100, FAMILIAL DEFECTIVE; APOLIPOPROTEIN B-100, FAMILIAL LIGAND-DEFECTIVE; Familial hypercholesterolemia 2. Identifiers: MedGen C1704417, MONDO:0007751, OMIM 144010.
Familial hypobetalipoproteinemia 1. Also called: APOB-Related Familial Hypobetalipoproteinemia; Hypobetalipoproteinemia, normotriglyceridemic; Acanthocytosis with hypobetalipoproteinemia. Identifiers: MedGen C4551990, MONDO:0014252, OMIM 615558.
Familial hypercholesterolemia. Also called: Familial hypercholesterolemias; Familial hypercholesterolaemia. Identifiers: MedGen C0020445, MONDO:0005439.

Allele frequency attached by ClinVar (database versions not stated): gnomAD exomes 0.00011 and 0.00003; 1000 Genomes Project 30x 0.00016; 1000 Genomes Project 0.00020; ExAC 0.00005; gnomAD 0.00005; TOPMed 0.00005; ESP Exome Variant Server 0.00008.
gnomAD v4.1: 175 of 1,614,064 alleles (0.011%); highest among the groups gnomAD compares: Non-Finnish European, 0.014%; no homozygotes.

Submissions (4):

Labcorp Genetics (formerly Invitae), Labcorp
Classification: Likely benign for Familial hypobetalipoproteinemia 1; Hypercholesterolemia, autosomal dominant, type B. Last evaluated: 2025-11-09. Review status: criteria provided, single submitter. Criteria: Invitae Variant Classification Sherloc (09022015). Collection method: clinical testing. Allele origin: germline.

Cambridge Genomics Laboratory, East Genomic Laboratory Hub, NHS Genomic Medicine Service
Classification: Uncertain significance for Familial hypercholesterolaemia. Last evaluated: 2025-05-29. Review status: criteria provided, single submitter. Criteria: ACGS Best Practice Guidelines for Variant Classification in Rare Disease 2020. Collection method: clinical testing. Allele origin: germline. Affected: yes.
Comment: PM2,BP4

Ambry Genetics
Classification: Likely benign for Cardiovascular phenotype. Last evaluated: 2024-03-29. Review status: criteria provided, single submitter. Criteria: Ambry Variant Classification Scheme 2023. Collection method: clinical testing. Allele origin: germline.

Fulgent Genetics
Classification: Uncertain significance for Hypercholesterolemia, autosomal dominant, type B; Familial hypobetalipoproteinemia 1. Last evaluated: 2021-07-22. Review status: criteria provided, single submitter. Criteria: ACMG Guidelines, 2015. Collection method: clinical testing. Allele origin: unknown.